The following is an entry in ClinVar:

NM_182914.3(SYNE2):c.14071A>G (p.Lys4691Glu)

Gene: SYNE2 (spectrin repeat containing nuclear envelope protein 2; plus strand). Cytogenetic location: 14q23.2.
Variant type: single nucleotide variant.
Coding change: c.14071A>G on transcript NM_182914.3 (MANE Select); coding-DNA position 14071, A replaced by G.
Protein change: p.Lys4691Glu; replaces lysine 4691 with glutamic acid.
Molecular consequence: missense variant.
Genome position (GRCh38, 1-based): chr14:64,129,833, A>G. VCF-style: chr14-64129833-A-G. GRCh37 (hg19) VCF-style: chr14-64596551-A-G.
Other names: c.14071A>G, p.Lys4691Glu (NM_015180.6); short protein forms K4691E.
Identifiers: ClinVar variation 313595 (VCV000313595.13), dbSNP rs143798878, ClinGen allele CA7222674.

ClinVar aggregate classification (germline): Conflicting classifications of pathogenicity. Review status: criteria provided, conflicting classifications (1 of 4 stars). 4 submissions from 4 submitters: Uncertain significance (2); Likely benign (2). Last evaluated 2026-09-01.

Conditions:
Emery-Dreifuss muscular dystrophy 5, autosomal dominant (EDMD5). Also called: EMERY-DREIFUSS MUSCULAR DYSTROPHY 5. Identifiers: Orphanet 261, MedGen C2751805, MONDO:0013072, OMIM 612999.

Allele frequency attached by ClinVar (database versions not stated): gnomAD 0.00003 and 0.00004; TOPMed 0.00004; ExAC 0.00008; gnomAD exomes 0.00008 and 0.00019; ESP Exome Variant Server 0.00023.
gnomAD v4.1: 273 of 1,614,096 alleles (0.017%); highest among the groups gnomAD compares: Non-Finnish European, 0.022%; 1 homozygote.

Submissions (4):

CeGaT Center for Human Genetics Tuebingen
Classification: Likely benign. Last evaluated: 2026-09-01. Review status: criteria provided, single submitter. Criteria: CeGaT Center For Human Genetics Tuebingen Variant Classification Criteria Version 2. Collection method: clinical testing. Allele origin: germline. Affected: yes. Observed: 1 variant allele.
Comment: SYNE2: BP4, BS1

Labcorp Genetics (formerly Invitae), Labcorp
Classification: Uncertain significance for Emery-Dreifuss muscular dystrophy 5, autosomal dominant. Last evaluated: 2025-10-31. Review status: criteria provided, single submitter. Criteria: Invitae Variant Classification Sherloc (09022015). Collection method: clinical testing. Allele origin: germline.
Comment: This sequence change replaces lysine, which is basic and polar, with glutamic acid, which is acidic and polar, at codon 4691 of the SYNE2 protein (p.Lys4691Glu). This variant is present in population databases (rs143798878, gnomAD 0.02%). This variant has not been reported in the literature in individuals affected with SYNE2-related conditions. ClinVar contains an entry for this variant (Variation ID: 313595). An algorithm developed to predict the effect of missense changes on protein structure and function (PolyPhen-2) suggests that this variant is likely to be disruptive. In summary, the available evidence is currently insufficient to determine the role of this variant in disease. Therefore, it has been classified as a Variant of Uncertain Significance.

Ambry Genetics
Classification: Uncertain significance. Last evaluated: 2023-12-16. Review status: criteria provided, single submitter. Criteria: Ambry Variant Classification Scheme 2023. Collection method: clinical testing. Allele origin: germline.

Illumina Laboratory Services, Illumina
Classification: Likely benign for Emery-Dreifuss muscular dystrophy 5, autosomal dominant. Last evaluated: 2018-01-13. Review status: criteria provided, single submitter. Criteria: ICSL Variant Classification Criteria 13 December 2019. Collection method: clinical testing. Allele origin: germline.
Comment: This variant was observed in the ICSL laboratory as part of a predisposition screen in an ostensibly healthy population. It had not been previously curated by ICSL or reported in the Human Gene Mutation Database (HGMD: prior to June 1st, 2018), and was therefore a candidate for classification through an automated scoring system. Utilizing variant allele frequency, disease prevalence and penetrance estimates, and inheritance mode, an automated score was calculated to assess if this variant is too frequent to cause the disease. Based on the score and internal cut-off values, a variant classified as likely benign is not then subjected to further curation. The score for this variant resulted in a classification of likely benign for this disease.